The following is an entry in ClinVar:

NM_000274.4(OAT):c.956A>G (p.His319Arg)

Gene: OAT (ornithine aminotransferase; minus strand). Cytogenetic location: 10q26.13.
Variant type: single nucleotide variant.
Coding change: c.956A>G on transcript NM_000274.4 (MANE Select); coding-DNA position 956, A replaced by G.
Protein change: p.His319Arg; replaces histidine 319 with arginine.
Molecular consequence: missense variant.
Genome position (GRCh38, 1-based): chr10:124,401,784, T>C on the plus strand (A>G on the coding strand, the complement: OAT is on the minus strand). VCF-style: chr10-124401784-T-C. GRCh37 (hg19) VCF-style: chr10-126090353-T-C.
Other names: c.542A>G, p.His181Arg (NM_001171814.2); c.956A>G, p.His319Arg (NM_001322965.2, NM_001322966.2, NM_001322967.2 and 3 more transcripts); c.635A>G, p.His212Arg (NM_001322971.2); c.356A>G, p.His119Arg (NM_001322974.2); short protein forms H181R, H212R, H319R, H119R.
Identifiers: ClinVar variation 2059566 (VCV002059566.1), dbSNP rs2033867562, ClinGen allele CA378634039.
Genomic context (GRCh38, chr10:124,401,784, plus strand): 5'-ACCTCAAGGGCTGCGATGGCCACTCGGCAGCCTAGTGGATTGCCACCGTATGTGGACCCA[T>C]GCTCCCCTGGCTTAATGGTCAGCATGATGTCATCATCACACAGCACTGCAGACACCTGAA-3'
Protein context (NP_000265.1, residues 309-329): DIMLTIKPGE[His319Arg]GSTYGGNPLG

ClinVar aggregate classification (germline): Uncertain significance (1 of 4 stars; one submission).

Conditions:
Ornithine aminotransferase deficiency (GACR). Also called: Ornithine ketoacid aminotransferase deficiency; Gyrate atrophy; Gyrate atrophy of choroid and retina; Girate atrophy of the retina; HYPERORNITHINEMIA WITH GYRATE ATROPHY OF CHOROID AND RETINA; OAT DEFICIENCY. Identifiers: Orphanet 414, MedGen C0018425, MONDO:0009796, OMIM 258870.

Allele frequency attached by ClinVar (database versions not stated): gnomAD exomes below 0.00001; TOPMed 0.00001.
gnomAD v4.1: 2 of 1,613,268 alleles (0.00012%); highest among the groups gnomAD compares: Non-Finnish European, 0.000085%; no homozygotes.

Submission:

Labcorp Genetics (formerly Invitae), Labcorp
Classification: Uncertain significance for Ornithine aminotransferase deficiency. Last evaluated: 2022-05-27. Review status: criteria provided, single submitter. Criteria: Invitae Variant Classification Sherloc (09022015). Collection method: clinical testing. Allele origin: germline.
Comment: This sequence change replaces histidine, which is basic and polar, with arginine, which is basic and polar, at codon 319 of the OAT protein (p.His319Arg). This variant is not present in population databases (gnomAD no frequency). This missense change has been observed in individual(s) with clinical features of gyrate atrophy (Invitae). Algorithms developed to predict the effect of missense changes on protein structure and function are either unavailable or do not agree on the potential impact of this missense change (SIFT: "Deleterious"; PolyPhen-2: "Benign"; Align-GVGD: "Class C0"). In summary, the available evidence is currently insufficient to determine the role of this variant in disease. Therefore, it has been classified as a Variant of Uncertain Significance.